The following is an entry in ClinVar:

NM_004006.3(DMD):c.4790G>A (p.Arg1597Lys)

Gene: DMD (dystrophin; minus strand). Cytogenetic location: Xp21.1.
Variant type: single nucleotide variant.
Coding change: c.4790G>A on transcript NM_004006.3 (MANE Select); coding-DNA position 4790, G replaced by A.
Protein change: p.Arg1597Lys; replaces arginine 1597 with lysine.
Molecular consequence: missense variant.
Genome position (GRCh38, 1-based): chrX:32,380,565, C>T on the plus strand (G>A on the coding strand, the complement: DMD is on the minus strand). VCF-style: chrX-32380565-C-T. GRCh37 (hg19) VCF-style: chrX-32398682-C-T.
Other names: c.4766G>A, p.Arg1589Lys (NM_000109.4); c.4778G>A, p.Arg1593Lys (NM_004009.3); c.4421G>A, p.Arg1474Lys (NM_004010.3); c.767G>A, p.Arg256Lys (NM_004011.4); c.758G>A, p.Arg253Lys (NM_004012.4); short protein forms R1597K, R253K, R256K, R1589K, R1474K, R1593K.
Identifiers: ClinVar variation 3701721 (VCV003701721.2).

ClinVar aggregate classification (germline): Uncertain significance (1 of 4 stars; one submission).

Conditions:
Duchenne muscular dystrophy (DMD). Also called: MUSCULAR DYSTROPHY, PSEUDOHYPERTROPHIC PROGRESSIVE, DUCHENNE TYPE; Duchenne Muscular Dystrophy (DMD). Identifiers: Orphanet 98896, MedGen C0013264, MONDO:0010679, OMIM 310200.

gnomAD v4.1: 4 of 1,208,995 alleles (0.00033%); highest among the groups gnomAD compares: East Asian, 0.0059%; no homozygotes.

Submission:

Labcorp Genetics (formerly Invitae), Labcorp
Classification: Uncertain significance for Duchenne muscular dystrophy. Last evaluated: 2024-05-04. Review status: criteria provided, single submitter. Criteria: Invitae Variant Classification Sherloc (09022015). Collection method: clinical testing. Allele origin: germline.
Comment: This sequence change replaces arginine, which is basic and polar, with lysine, which is basic and polar, at codon 1597 of the DMD protein (p.Arg1597Lys). This variant is not present in population databases (gnomAD no frequency). This variant has not been reported in the literature in individuals affected with DMD-related conditions. Advanced modeling of protein sequence and biophysical properties (such as structural, functional, and spatial information, amino acid conservation, physicochemical variation, residue mobility, and thermodynamic stability) performed at Invitae indicates that this missense variant is not expected to disrupt DMD protein function with a negative predictive value of 95%. In summary, the available evidence is currently insufficient to determine the role of this variant in disease. Therefore, it has been classified as a Variant of Uncertain Significance.